The following is an entry in ClinVar:

NM_005901.6(SMAD2):c.712A>C (p.Asn238His)

Gene: SMAD2 (SMAD family member 2; minus strand). Cytogenetic location: 18q21.1.
Variant type: single nucleotide variant.
Coding change: c.712A>C on transcript NM_005901.6 (MANE Select); coding-DNA position 712, A replaced by C.
Protein change: p.Asn238His; replaces asparagine 238 with histidine.
Molecular consequence: missense variant.
Genome position (GRCh38, 1-based): chr18:47,865,077, T>G on the plus strand (A>C on the coding strand, the complement: SMAD2 is on the minus strand). VCF-style: chr18-47865077-T-G. GRCh37 (hg19) VCF-style: chr18-45391448-T-G.
Other names: c.712A>C, p.Asn238His (NM_001003652.4); c.622A>C, p.Asn208His (NM_001135937.3); short protein forms N208H, N238H.
Identifiers: ClinVar variation 4864679 (VCV004864679.1).

ClinVar aggregate classification (germline): Uncertain significance (1 of 4 stars; one submission).

Conditions:
Inborn genetic diseases. Identifiers: MedGen C0950123, MeSH D030342.

Submission:

Ambry Genetics
Classification: Uncertain significance for Inborn genetic diseases. Last evaluated: 2026-04-14. Review status: criteria provided, single submitter. Criteria: Ambry Variant Classification Scheme 2023. Collection method: clinical testing. Allele origin: germline.
Comment: The p.N238H variant (also known as c.712A>C), located in coding exon 5 of the SMAD2 gene, results from an A to C substitution at nucleotide position 712. The asparagine at codon 238 is replaced by histidine, an amino acid with similar properties. This amino acid position is conserved. In addition, the in silico prediction for this alteration is inconclusive. Based on the available evidence, the clinical significance of this variant remains unclear.